The following is an entry in ClinVar:

NC_000011.10:g.531174C>G

Genes: HRAS (HRas proto-oncogene, GTPase; minus strand), LRRC56 (leucine rich repeat containing 56; plus strand). Cytogenetic location: 11p15.5.
Variant type: single nucleotide variant.
Genome position: GRCh38 VCF-style: chr11-531174-C-G. GRCh37 (hg19) VCF-style: chr11-531174-C-G.
Identifiers: ClinVar variation 2570781 (VCV002570781.27), dbSNP rs868771958, ClinGen allele CA216941600.

ClinVar aggregate classification (germline): Likely benign (1 of 4 stars; one submission).

gnomAD v4.1: 128 of 144,666 alleles (0.088%); highest among the groups gnomAD compares: African/African-American, 0.32%; no homozygotes.

Submission:

CeGaT Center for Human Genetics Tuebingen
Classification: Likely benign. Last evaluated: 2023-06-01. Review status: criteria provided, single submitter. Criteria: CeGaT Center For Human Genetics Tuebingen Variant Classification Criteria Version 2. Collection method: clinical testing. Allele origin: germline. Affected: yes. Observed: 1 variant allele.
Comment: HRAS: BS1